The following is an entry in ClinVar:

NM_014049.5(ACAD9):c.1640T>C (p.Leu547Pro)

Genes: ACAD9 (acyl-CoA dehydrogenase family member 9; plus strand), CFAP92 (cilia and flagella associated protein 92 (putative); minus strand). Cytogenetic location: 3q21.3.
Variant type: single nucleotide variant.
Coding change: c.1640T>C on transcript NM_014049.5 (MANE Select); coding-DNA position 1640, T replaced by C.
Protein change: p.Leu547Pro; replaces leucine 547 with proline.
Molecular consequence: missense variant. On other transcripts: non-coding transcript variant (1), 3 prime UTR variant (3).
Genome position (GRCh38, 1-based): chr3:128,910,097, T>C. VCF-style: chr3-128910097-T-C. GRCh37 (hg19) VCF-style: chr3-128628940-T-C.
Other names: c.1271T>C, p.Leu424Pro (NM_001410805.1); c.*202A>G (NM_001348520.2, NM_001348521.2, NM_001394090.1); short protein forms L424P, L547P.
Identifiers: ClinVar variation 3766758 (VCV003766758.1).
Genomic context (GRCh38, chr3:128,910,097, plus strand): 5'-AGCTGGTACTGAAGCGGGTGGCCAACATCCTCATCAACCTGTATGGCATGACGGCCGTGC[T>C]GTCGCGGGCCAGCCGCTCCATCCGCATTGGGCTCCGCAACCACGACCACGAGGTGAGCCC-3'
Protein context (NP_054768.2, residues 537-557): LINLYGMTAV[Leu547Pro]SRASRSIRIG

ClinVar aggregate classification (germline): Uncertain significance (1 of 4 stars; one submission).

Conditions:
Acyl-CoA dehydrogenase 9 deficiency. Also called: Acyl-CoA dehydrogenase family, member 9, deficiency of; MITOCHONDRIAL COMPLEX I DEFICIENCY, NUCLEAR TYPE 20. Identifiers: Orphanet 99901, MedGen C4747517, MONDO:0012624, OMIM 611126.

gnomAD v4.1: 13 of 1,613,750 alleles (0.00081%); highest among the groups gnomAD compares: Non-Finnish European, 0.0011%; no homozygotes.

Submission:

ARUP Laboratories, Molecular Genetics and Genomics, ARUP Laboratories
Classification: Uncertain significance for Acyl-CoA dehydrogenase 9 deficiency. Last evaluated: 2024-08-02. Review status: criteria provided, single submitter. Criteria: ARUP Molecular Germline Variant Investigation Process 2024. Collection method: clinical testing. Allele origin: germline.
Comment: The ACAD9 c.1640T>C; p.Leu547Pro variant (rs888969773), to our knowledge, is not reported in the medical literature or gene specific databases. This variant is also absent from the Genome Aggregation Database (v2.1.1), indicating it is not a common polymorphism. Computational analyses predict that this variant is deleterious (REVEL: 0.886). Due to limited information, the clinical significance of this variant is uncertain at this time.